The following is an entry in ClinVar:

NM_174934.4(SCN4B):c.28G>A (p.Ala10Thr)

Gene: SCN4B (sodium voltage-gated channel beta subunit 4; minus strand). Cytogenetic location: 11q23.3.
Variant type: single nucleotide variant.
Coding change: c.28G>A on transcript NM_174934.4 (MANE Select); coding-DNA position 28, G replaced by A.
Protein change: p.Ala10Thr; replaces alanine 10 with threonine.
Molecular consequence: missense variant.
Genome position (GRCh38, 1-based): chr11:118,152,646, C>T on the plus strand (G>A on the coding strand, the complement: SCN4B is on the minus strand). VCF-style: chr11-118152646-C-T. GRCh37 (hg19) VCF-style: chr11-118023361-C-T.
Other names: c.28G>A, p.Ala10Thr (NM_001142348.2); short protein forms A10T.
Identifiers: ClinVar variation 5029131 (VCV005029131.1).
Genomic context (GRCh38, chr11:118,152,646, plus strand): 5'-GAAGAGACCAAGCTGGGGCTGCCTTACCCAAAAGCCCAGTGCCCAGCCATCTCGCCGGGG[C>T]TTTGCCTCCGTCCCCAGCCCCGGGCATAGTCCTGTTCTCTCCGGAGCGCGCGGGGGTCGC-3'
Protein context (NP_777594.1, residues 1-20): MPGAGDGGK[Ala10Thr]PARWLGTGLL

ClinVar aggregate classification (germline): Uncertain significance (1 of 4 stars; one submission).

Conditions:
Cardiovascular phenotype. Identifiers: MedGen CN230736.

gnomAD v4.1: 11 of 1,611,832 alleles (0.00068%); highest among the groups gnomAD compares: Non-Finnish European, 0.00085%; no homozygotes.

Submission:

Ambry Genetics
Classification: Uncertain significance for Cardiovascular phenotype. Last evaluated: 2026-08-19. Review status: criteria provided, single submitter. Criteria: Ambry Variant Classification Scheme 2023. Collection method: clinical testing. Allele origin: germline.
Comment: The p.A10T variant (also known as c.28G>A), located in coding exon 1 of the SCN4B gene, results from a G to A substitution at nucleotide position 28. The alanine at codon 10 is replaced by threonine, an amino acid with similar properties. This amino acid position is conserved. In addition, the in silico prediction for this alteration is inconclusive. Based on the available evidence, the clinical significance of this variant remains unclear.